The following is an entry in ClinVar:

NM_006506.5(RASA2):c.535G>A (p.Ala179Thr)

Gene: RASA2 (RAS p21 protein activator 2; plus strand). Cytogenetic location: 3q23.
Variant type: single nucleotide variant.
Coding change: c.535G>A on transcript NM_006506.5 (MANE Select); coding-DNA position 535, G replaced by A.
Protein change: p.Ala179Thr; replaces alanine 179 with threonine.
Molecular consequence: missense variant.
Genome position (GRCh38, 1-based): chr3:141,553,864, G>A. VCF-style: chr3-141553864-G-A. GRCh37 (hg19) VCF-style: chr3-141272706-G-A.
Other names: c.535G>A, p.Ala179Thr (NM_001303245.3, NM_001303246.3); short protein forms A179T.
Identifiers: ClinVar variation 1974264 (VCV001974264.6), dbSNP rs138115393, ClinGen allele CA2645237.

ClinVar aggregate classification (germline): Conflicting classifications of pathogenicity. Review status: criteria provided, conflicting classifications (1 of 4 stars). 2 submissions from 2 submitters: Uncertain significance (1); Likely benign (1). Last evaluated 2025-06-23.

Allele frequency attached by ClinVar (database versions not stated): 1000 Genomes Project 30x 0.00016; gnomAD exomes 0.00006; 1000 Genomes Project 0.00020; TOPMed 0.00006; gnomAD 0.00009; ExAC 0.00012.
gnomAD v4.1: 101 of 1,610,374 alleles (0.0063%); highest among the groups gnomAD compares: East Asian, 0.11%; no homozygotes.

Submissions (2):

Labcorp Genetics (formerly Invitae), Labcorp
Classification: Uncertain significance. Last evaluated: 2025-06-23. Review status: criteria provided, single submitter. Criteria: Invitae Variant Classification Sherloc (09022015). Collection method: clinical testing. Allele origin: germline.
Comment: This sequence change replaces alanine, which is neutral and non-polar, with threonine, which is neutral and polar, at codon 179 of the RASA2 protein (p.Ala179Thr). This variant is present in population databases (rs138115393, gnomAD 0.1%), and has an allele count higher than expected for a pathogenic variant. This missense change has been observed in individual(s) with RASopathy (PMID: 35418823). ClinVar contains an entry for this variant (Variation ID: 1974264). Invitae Evidence Modeling of protein sequence and biophysical properties (such as structural, functional, and spatial information, amino acid conservation, physicochemical variation, residue mobility, and thermodynamic stability) indicates that this missense variant is not expected to disrupt RASA2 protein function with a negative predictive value of 80%. In summary, the available evidence is currently insufficient to determine the role of this variant in disease. Therefore, it has been classified as a Variant of Uncertain Significance.

Women's Health and Genetics/Laboratory Corporation of America, LabCorp
Classification: Likely benign. Last evaluated: 2023-10-13. Review status: criteria provided, single submitter. Criteria: LabCorp Variant Classification Summary - May 2015. Collection method: clinical testing. Allele origin: germline.

Literature cited by the submitters: PubMed 35418823 (cited by Labcorp Genetics (formerly Invitae), Labcorp).